The following is an entry in ClinVar:

ClinVar aggregate classification (germline): Likely pathogenic (1 of 4 stars; one submission).

Submission:

GeneDx
Classification: Likely pathogenic. Last evaluated: 2026-03-17. Review status: criteria provided, single submitter. Criteria: GeneDx Variant Classification Process June 2021. Collection method: clinical testing. Allele origin: germline.
Comment: Frameshift variant predicted to result in protein truncation or nonsense mediated decay in a gene for which loss of function is a known mechanism of disease; Not observed at significant frequency in large population cohorts (gnomAD); Has not been previously published as pathogenic or benign to our knowledge

NM_005909.5(MAP1B):c.2253del (p.Lys751fs)

Gene: MAP1B (microtubule associated protein 1B; plus strand). Cytogenetic location: 5q13.2.
Variant type: Deletion.
Coding change: c.2253del on transcript NM_005909.5 (MANE Select); coding-DNA position 2253, one base deleted (A; older notation c.2253delA).
Protein change: p.Lys751fs; shifts the reading frame from lysine 751.
Molecular consequence: frameshift variant.
Genome position (GRCh38, 1-based): chr5:72,195,608, A deleted; the last of 7 consecutive A bases (chr5:72,195,602-72,195,608); deleting any one gives the same sequence. VCF-style (leftmost placement, unchanged base first): chr5-72195601-CA-C. GRCh37 (hg19) VCF-style: chr5-71491428-CA-C.
Other names: c.1875del, p.Lys625fs (NM_001324255.2); short protein forms K625fs, K751fs.
Identifiers: ClinVar variation 4975147 (VCV004975147.1).